The following is an entry in ClinVar:

NM_001144967.3(NEDD4L):c.1831C>T (p.Pro611Ser)

Gene: NEDD4L (NEDD4 like E3 ubiquitin protein ligase; plus strand). Cytogenetic location: 18q21.31.
Variant type: single nucleotide variant.
Coding change: c.1831C>T on transcript NM_001144967.3 (MANE Select); coding-DNA position 1831, C replaced by T.
Protein change: p.Pro611Ser; replaces proline 611 with serine.
Molecular consequence: missense variant.
Genome position (GRCh38, 1-based): chr18:58,364,331, C>T. VCF-style: chr18-58364331-C-T. GRCh37 (hg19) VCF-style: chr18-56031563-C-T.
Other names: c.1468C>T, p.Pro490Ser (NM_001144964.1, NM_001144965.2, NM_001144966.3); c.1807C>T, p.Pro603Ser (NM_001144968.2); c.1747C>T, p.Pro583Ser (NM_001144969.2); c.1408C>T, p.Pro470Ser (NM_001144970.3, NM_001144971.2); c.1639C>T, p.Pro547Ser (NM_001243960.2); c.1771C>T, p.Pro591Ser (NM_015277.6); short protein forms P547S, P470S, P583S, P591S, P611S, P490S, P603S.
Identifiers: ClinVar variation 1390302 (VCV001390302.6), dbSNP rs1857940787, ClinGen allele CA402546039.

ClinVar aggregate classification (germline): Uncertain significance (1 of 4 stars; one submission).

Allele frequency attached by ClinVar (database versions not stated): TOPMed below 0.00001.

Submission:

Labcorp Genetics (formerly Invitae), Labcorp
Classification: Uncertain significance. Last evaluated: 2022-08-31. Review status: criteria provided, single submitter. Criteria: Invitae Variant Classification Sherloc (09022015). Collection method: clinical testing. Allele origin: germline.
Comment: This sequence change replaces proline, which is neutral and non-polar, with serine, which is neutral and polar, at codon 591 of the NEDD4L protein (p.Pro591Ser). This variant is not present in population databases (gnomAD no frequency). This variant has not been reported in the literature in individuals affected with NEDD4L-related conditions. ClinVar contains an entry for this variant (Variation ID: 1390302). Algorithms developed to predict the effect of missense changes on protein structure and function are either unavailable or do not agree on the potential impact of this missense change (SIFT: "Tolerated"; PolyPhen-2: "Possibly Damaging"; Align-GVGD: "Class C0"). In summary, the available evidence is currently insufficient to determine the role of this variant in disease. Therefore, it has been classified as a Variant of Uncertain Significance.